The following is an entry in ClinVar:

NM_198576.4(AGRN):c.5674C>T (p.His1892Tyr)

Gene: AGRN (agrin; plus strand). Cytogenetic location: 1p36.33.
Variant type: single nucleotide variant.
Coding change: c.5674C>T on transcript NM_198576.4 (MANE Select); coding-DNA position 5674, C replaced by T.
Protein change: p.His1892Tyr; replaces histidine 1892 with tyrosine.
Molecular consequence: missense variant.
Genome position (GRCh38, 1-based): chr1:1,053,775, C>T. VCF-style: chr1-1053775-C-T. GRCh37 (hg19) VCF-style: chr1-989155-C-T.
Other names: c.5743C>T, p.His1915Tyr (NM_001305275.2); c.5371C>T, p.His1791Tyr (NM_001364727.2); short protein forms H1915Y, H1892Y, H1791Y.
Identifiers: ClinVar variation 858673 (VCV000858673.7), dbSNP rs201518881, ClinGen allele CA510199.

ClinVar aggregate classification (germline): Uncertain significance. Review status: criteria provided, multiple submitters, no conflicts (2 of 4 stars). 2 submissions from 2 submitters: Uncertain significance (2). Last evaluated 2022-05-25.

Conditions:
Congenital myasthenic syndrome 8. Also called: Myasthenic syndrome, congenital, 8, with pre- and postsynaptic defects; MYASTHENIC SYNDROME, CONGENITAL, DUE TO AGRIN DEFICIENCY. Identifiers: Orphanet 590, MedGen C3808739, MONDO:0014052, OMIM 615120.

Allele frequency attached by ClinVar (database versions not stated): TOPMed 0.00005; gnomAD 0.00006; gnomAD exomes 0.00009; ExAC 0.00013; ESP Exome Variant Server 0.00015.
gnomAD v4.1: 81 of 1,608,360 alleles (0.005%); highest among the groups gnomAD compares: Non-Finnish European, 0.0032%; no homozygotes.

Submissions (2):

Labcorp Genetics (formerly Invitae), Labcorp
Classification: Uncertain significance for Congenital myasthenic syndrome 8. Last evaluated: 2022-05-25. Review status: criteria provided, single submitter. Criteria: Invitae Variant Classification Sherloc (09022015). Collection method: clinical testing. Allele origin: germline.
Comment: In summary, the available evidence is currently insufficient to determine the role of this variant in disease. Therefore, it has been classified as a Variant of Uncertain Significance. Algorithms developed to predict the effect of missense changes on protein structure and function output the following: SIFT: "Tolerated"; PolyPhen-2: "Benign"; Align-GVGD: "Class C0". The tyrosine amino acid residue is found in multiple mammalian species, which suggests that this missense change does not adversely affect protein function. ClinVar contains an entry for this variant (Variation ID: 858673). This variant has not been reported in the literature in individuals affected with AGRN-related conditions. This variant is present in population databases (rs201518881, gnomAD 0.1%). This sequence change replaces histidine, which is basic and polar, with tyrosine, which is neutral and polar, at codon 1892 of the AGRN protein (p.His1892Tyr).

Baylor Genetics
Classification: Uncertain significance for Congenital myasthenic syndrome 8. Last evaluated: 2018-03-21. Review status: criteria provided, single submitter. Criteria: ACMG Guidelines, 2015. Collection method: clinical testing. Allele origin: maternal. Affected: yes.
Comment: This variant was determined to be of uncertain significance according to ACMG Guidelines, 2015 [PMID:25741868].